The following is an entry in ClinVar:

NM_006846.4(SPINK5):c.991T>C (p.Ser331Pro)

Gene: SPINK5 (serine peptidase inhibitor Kazal type 5; plus strand). Cytogenetic location: 5q32.
Variant type: single nucleotide variant.
Coding change: c.991T>C on transcript NM_006846.4 (MANE Select); coding-DNA position 991, T replaced by C.
Protein change: p.Ser331Pro; replaces serine 331 with proline.
Molecular consequence: missense variant.
Genome position (GRCh38, 1-based): chr5:148,097,975, T>C. VCF-style: chr5-148097975-T-C. GRCh37 (hg19) VCF-style: chr5-147477538-T-C.
Other names: c.991T>C, p.Ser331Pro (NM_001127698.2, NM_001127699.2); short protein forms S331P.
Identifiers: ClinVar variation 3371838 (VCV003371838.1).

ClinVar aggregate classification (germline): Uncertain significance (1 of 4 stars; one submission).

gnomAD v4.1: 1 of 1,611,960 alleles (0.000062%); highest among the groups gnomAD compares: African/African-American, 0.0013%; no homozygotes.

Submission:

GeneDx
Classification: Uncertain significance. Last evaluated: 2024-04-01. Review status: criteria provided, single submitter. Criteria: GeneDx Variant Classification Process June 2021. Collection method: clinical testing. Allele origin: germline. Affected: yes.
Comment: Not observed at significant frequency in large population cohorts (gnomAD); In silico analysis supports that this missense variant does not alter protein structure/function; Has not been previously published as pathogenic or benign to our knowledge